The following is an entry in ClinVar:

NM_000136.3(FANCC):c.1166G>T (p.Gly389Val)

Genes: AOPEP (aminopeptidase O (putative); plus strand), FANCC (FA complementation group C; minus strand). Cytogenetic location: 9q22.32.
Variant type: single nucleotide variant.
Coding change: c.1166G>T on transcript NM_000136.3 (MANE Select); coding-DNA position 1166, G replaced by T.
Protein change: p.Gly389Val; replaces glycine 389 with valine.
Molecular consequence: missense variant.
Genome position (GRCh38, 1-based): chr9:95,111,626, C>A on the plus strand (G>T on the coding strand, the complement: FANCC is on the minus strand). VCF-style: chr9-95111626-C-A. GRCh37 (hg19) VCF-style: chr9-97873908-C-A.
Other names: c.1166G>T, p.Gly389Val (NM_001243743.2, NM_001243744.2); short protein forms G389V.
Identifiers: ClinVar variation 1738332 (VCV001738332.4), dbSNP rs2071942181, ClinGen allele CA374107566.

ClinVar aggregate classification (germline): Uncertain significance. Review status: criteria provided, multiple submitters, no conflicts (2 of 4 stars). 2 submissions from 2 submitters: Uncertain significance (2). Last evaluated 2024-08-04.

Conditions:
Hereditary cancer-predisposing syndrome. Also called: Neoplastic Syndromes, Hereditary; Tumor predisposition; Hereditary Cancer Syndrome; Hereditary neoplastic syndrome. Identifiers: Orphanet 140162, MedGen C0027672, MeSH D009386, MONDO:0015356.
Fanconi anemia (FA). Also called: Fanconi's anemia. Identifiers: Orphanet 84, MedGen C0015625, MeSH D005199, MONDO:0019391.

gnomAD v4.1: 1 of 1,614,148 alleles (0.000062%); no homozygotes.

Submissions (2):

Labcorp Genetics (formerly Invitae), Labcorp
Classification: Uncertain significance for Fanconi anemia. Last evaluated: 2024-08-04. Review status: criteria provided, single submitter. Criteria: Invitae Variant Classification Sherloc (09022015). Collection method: clinical testing. Allele origin: germline.
Comment: This sequence change replaces glycine, which is neutral and non-polar, with valine, which is neutral and non-polar, at codon 389 of the FANCC protein (p.Gly389Val). This variant is not present in population databases (gnomAD no frequency). This variant has not been reported in the literature in individuals affected with FANCC-related conditions. ClinVar contains an entry for this variant (Variation ID: 1738332). Advanced modeling of protein sequence and biophysical properties (such as structural, functional, and spatial information, amino acid conservation, physicochemical variation, residue mobility, and thermodynamic stability) performed at Invitae indicates that this missense variant is not expected to disrupt FANCC protein function with a negative predictive value of 80%. In summary, the available evidence is currently insufficient to determine the role of this variant in disease. Therefore, it has been classified as a Variant of Uncertain Significance.

Ambry Genetics
Classification: Uncertain significance for Hereditary cancer-predisposing syndrome. Last evaluated: 2022-07-21. Review status: criteria provided, single submitter. Criteria: Ambry Variant Classification Scheme 2023. Collection method: clinical testing. Allele origin: germline.
Comment: The p.G389V variant (also known as c.1166G>T), located in coding exon 12 of the FANCC gene, results from a G to T substitution at nucleotide position 1166. The glycine at codon 389 is replaced by valine, an amino acid with dissimilar properties. This amino acid position is conserved. In addition, this alteration is predicted to be tolerated by in silico analysis. Since supporting evidence is limited at this time, the clinical significance of this alteration remains unclear.